The following is an entry in ClinVar:

ClinVar aggregate classification (germline): Uncertain significance (1 of 4 stars; one submission).

gnomAD v4.1: 1 of 1,613,990 alleles (0.000062%); highest among the groups gnomAD compares: African/African-American, 0.0013%; no homozygotes.

Submission:

Mayo Clinic Laboratories, Mayo Clinic
Classification: Uncertain significance. Last evaluated: 2025-01-22. Review status: criteria provided, single submitter. Criteria: ACMG Guidelines, 2015. Collection method: clinical testing. Allele origin: germline. Observed: 1 variant allele.
Comment: BP4_moderate, PM2_supporting

NM_001355436.2(SPTB):c.3739G>A (p.Glu1247Lys)

Gene: SPTB (spectrin beta, erythrocytic; minus strand). Cytogenetic location: 14q23.3.
Variant type: single nucleotide variant.
Coding change: c.3739G>A on transcript NM_001355436.2 (MANE Select); coding-DNA position 3739, G replaced by A.
Protein change: p.Glu1247Lys; replaces glutamic acid 1247 with lysine.
Molecular consequence: missense variant.
Genome position (GRCh38, 1-based): chr14:64,785,774, C>T on the plus strand (G>A on the coding strand, the complement: SPTB is on the minus strand). VCF-style: chr14-64785774-C-T. GRCh37 (hg19) VCF-style: chr14-65252492-C-T.
Other names: p.Glu1247Lys; c.3739G>A, p.Glu1247Lys (NM_001024858.4, NM_001355437.2); short protein forms E1247K.
Identifiers: ClinVar variation 4541850 (VCV004541850.1).
Genomic context (GRCh38, chr14:64,785,774, plus strand): 5'-TCTGGGGGCCTCGTGGCCCTGGGGCCCGGGAGTACCTGTCCTCAATCAGCTGCACCTTCT[C>T]CTTGATCTTGTCTGAGTATAGGTTTCCCTCAGCTACCAGCTTGTTTCCAGAGTCCACAGG-3'
Protein context (NP_001342365.1, residues 1237-1257): EGNLYSDKIK[Glu1247Lys]KVQLIEDRHR